The following is an entry in ClinVar:

ClinVar aggregate classification (germline): Uncertain significance. Review status: criteria provided, multiple submitters, no conflicts (2 of 4 stars). 3 submissions from 3 submitters: Uncertain significance (3). Last evaluated 2024-11-26.

Conditions:
Inborn genetic diseases. Identifiers: MedGen C0950123, MeSH D030342.
Congenital myasthenic syndrome 8. Also called: MYASTHENIC SYNDROME, CONGENITAL, DUE TO AGRIN DEFICIENCY; Myasthenic syndrome, congenital, 8, with pre- and postsynaptic defects. Identifiers: Orphanet 590, MedGen C3808739, MONDO:0014052, OMIM 615120.

Allele frequency attached by ClinVar (database versions not stated): TOPMed below 0.00001; gnomAD 0.00001; gnomAD exomes below 0.00001.

Submissions (3):

Ambry Genetics
Classification: Uncertain significance for Inborn genetic diseases. Last evaluated: 2024-11-26. Review status: criteria provided, single submitter. Criteria: Ambry Variant Classification Scheme 2023. Collection method: clinical testing. Allele origin: germline.

Revvity Omics, Revvity
Classification: Uncertain significance for Congenital myasthenic syndrome 8. Last evaluated: 2024-08-19. Review status: criteria provided, single submitter. Criteria: ACMG Guidelines, 2015. Collection method: clinical testing. Allele origin: germline.

Labcorp Genetics (formerly Invitae), Labcorp
Classification: Uncertain significance for Congenital myasthenic syndrome 8. Last evaluated: 2021-08-31. Review status: criteria provided, single submitter. Criteria: Invitae Variant Classification Sherloc (09022015). Collection method: clinical testing. Allele origin: germline.
Comment: This sequence change replaces valine with glycine at codon 23 of the AGRN protein (p.Val23Gly). The valine residue is weakly conserved and there is a moderate physicochemical difference between valine and glycine. The frequency data for this variant in the population databases is considered unreliable, as metrics indicate insufficient coverage at this position in the ExAC database. This variant has not been reported in the literature in individuals affected with AGRN-related conditions. Algorithms developed to predict the effect of missense changes on protein structure and function are either unavailable or do not agree on the potential impact of this missense change (SIFT: "Deleterious"; PolyPhen-2: "Not Available"; Align-GVGD: "Class C0"). In summary, the available evidence is currently insufficient to determine the role of this variant in disease. Therefore, it has been classified as a Variant of Uncertain Significance.

NM_198576.4(AGRN):c.68T>G (p.Val23Gly)

Gene: AGRN (agrin; plus strand). Cytogenetic location: 1p36.33.
Variant type: single nucleotide variant.
Coding change: c.68T>G on transcript NM_198576.4 (MANE Select); coding-DNA position 68, T replaced by G.
Protein change: p.Val23Gly; replaces valine 23 with glycine.
Molecular consequence: missense variant.
Genome position (GRCh38, 1-based): chr1:1,020,240, T>G. VCF-style: chr1-1020240-T-G. GRCh37 (hg19) VCF-style: chr1-955620-T-G.
Other names: c.68T>G (NM_198576.3); c.68T>G, p.Val23Gly (NM_001305275.2); short protein forms V23G.
Identifiers: ClinVar variation 1018901 (VCV001018901.8), dbSNP rs1262975758, ClinGen allele CA337809784.